The following is an entry in ClinVar:

NM_000088.4(COL1A1):c.2072del (p.Pro691fs)

Gene: COL1A1 (collagen type I alpha 1 chain; minus strand). Cytogenetic location: 17q21.33.
Variant type: Deletion.
Coding change: c.2072del on transcript NM_000088.4 (MANE Select); coding-DNA position 2072, one base deleted (C; older notation c.2072delC).
Protein change: p.Pro691fs; shifts the reading frame from proline 691.
Molecular consequence: frameshift variant.
Genome position (GRCh38, 1-based): chr17:50,191,843, G deleted on the plus strand (C on the coding strand, the reverse complement: COL1A1 is on the minus strand); the first of 5 consecutive G bases (chr17:50,191,843-50,191,847); deleting any one gives the same sequence. VCF-style (leftmost placement, unchanged base first): chr17-50191842-AG-A. GRCh37 (hg19) VCF-style: chr17-48269203-AG-A.
Other names: short protein forms P691fs.
Identifiers: ClinVar variation 1698974 (VCV001698974.5), dbSNP rs72651639, ClinGen allele CA291544055.

ClinVar aggregate classification (germline): Pathogenic. Review status: criteria provided, multiple submitters, no conflicts (2 of 4 stars). 2 submissions from 2 submitters: Pathogenic (2). Last evaluated 2025-10-29.

Conditions:
Osteogenesis imperfecta type I (OI1). Also called: OSTEOGENESIS IMPERFECTA TARDA; OSTEOGENESIS IMPERFECTA WITH BLUE SCLERAE; Osteogenesis imperfecta type 1; Lobstein's Disease; Classic Non-deforming Osteogenesis Imperfecta with Blue Sclerae; OI, TYPE I. Identifiers: Orphanet 216796, Orphanet 666, MedGen C0023931, MONDO:0008146, OMIM 166200. Disease mechanism: loss of function.

Submissions (2):

Victorian Clinical Genetics Services, Murdoch Childrens Research Institute
Classification: Pathogenic for Osteogenesis imperfecta type I. Last evaluated: 2025-10-29. Review status: criteria provided, single submitter. Criteria: ACMG Guidelines, 2015. Collection method: clinical testing. Allele origin: germline. Affected: yes.
Comment: This variant is classified as Pathogenic. Evidence in support of pathogenic classification: Variant is predicted to cause nonsense-mediated decay (NMD) and loss of protein (premature termination codon is located at least 54 nucleotides upstream of the final exon-exon junction); Variant is present in gnomAD <0.001 for a dominant condition (v4: 1 heterozygote(s), 0 homozygote(s)); This variant has limited previous evidence of pathogenicity in unrelated individuals. This variant has been reported twice in individuals affected with osteogenesis imperfecta- once for type I, and once for type IV (PMIDs: 27509835, 34902613); Other NMD-predicted variants comparable to the one identified in this case have very strong previous evidence for pathogenicity (DECIPHER). Additional information: This variant is heterozygous; This gene is associated with autosomal dominant disease; No published evidence of segregation with disease has been identified for this variant; No published functional evidence has been identified for this variant; Dominant negative and loss of function are known mechanisms of disease in this gene and are associated with osteogenesis imperfecta (OI) types I-IV, and other conditions (OMIM). Variants resulting in a truncated protein are known to have a loss of function effect on protein, while missense variants affecting the G-X-Y of a triple helix motif, have a dominant negative effect (PMID:27509835, PMID:12362985); Variants in this gene are known to have variable expressivity (PMID: 20301472); Inheritance information for this variant is not currently available in this individual.

Labcorp Genetics (formerly Invitae), Labcorp
Classification: Pathogenic for Osteogenesis imperfecta type I. Last evaluated: 2025-10-03. Review status: criteria provided, single submitter. Criteria: Invitae Variant Classification Sherloc (09022015). Collection method: clinical testing. Allele origin: germline.
Comment: This sequence change creates a premature translational stop signal (p.Pro691Leufs*75) in the COL1A1 gene. It is expected to result in an absent or disrupted protein product. Loss-of-function variants in COL1A1 are known to be pathogenic (PMID: 7942841, 9295084, 9443882). This variant is not present in population databases (gnomAD no frequency). This premature translational stop signal has been observed in individual(s) with osteogenesis imperfecta (PMID: 11317364). ClinVar contains an entry for this variant (Variation ID: 1698974). For these reasons, this variant has been classified as Pathogenic.

Literature cited by the submitters: PubMed 27509835 (cited by Victorian Clinical Genetics Services, Murdoch Childrens Research Institute); PubMed 12362985 (cited by Victorian Clinical Genetics Services, Murdoch Childrens Research Institute); PubMed 34902613 (cited by Victorian Clinical Genetics Services, Murdoch Childrens Research Institute); PubMed 20301472 (cited by Victorian Clinical Genetics Services, Murdoch Childrens Research Institute); PubMed 7942841 (cited by Labcorp Genetics (formerly Invitae), Labcorp); PubMed 9295084 (cited by Labcorp Genetics (formerly Invitae), Labcorp); PubMed 9443882 (cited by Labcorp Genetics (formerly Invitae), Labcorp); PubMed 11317364 (cited by Labcorp Genetics (formerly Invitae), Labcorp).